The following is an entry in ClinVar:

NM_002857.4(PEX19):c.69A>T (p.Glu23Asp)

Gene: PEX19 (peroxisomal biogenesis factor 19; minus strand). Cytogenetic location: 1q23.2.
Variant type: single nucleotide variant.
Coding change: c.69A>T on transcript NM_002857.4 (MANE Select); coding-DNA position 69, A replaced by T.
Protein change: p.Glu23Asp; replaces glutamic acid 23 with aspartic acid.
Molecular consequence: missense variant. On other transcripts: non-coding transcript variant (2).
Genome position (GRCh38, 1-based): chr1:160,285,056, T>A on the plus strand (A>T on the coding strand, the complement: PEX19 is on the minus strand). VCF-style: chr1-160285056-T-A. GRCh37 (hg19) VCF-style: chr1-160254846-T-A.
Other names: c.69A>T, p.Glu23Asp (NM_001193644.1); short protein forms E23D.
Identifiers: ClinVar variation 2111884 (VCV002111884.4), dbSNP rs1657956169, ClinGen allele CA343265755.

ClinVar aggregate classification (germline): Uncertain significance (1 of 4 stars; one submission).

Conditions:
Peroxisome biogenesis disorder 12A (Zellweger). Also called: Peroxisome biogenesis disorder 12A. Identifiers: Orphanet 912, MedGen C3554002, MONDO:0013951, OMIM 614886.

Submission:

Labcorp Genetics (formerly Invitae), Labcorp
Classification: Uncertain significance for Peroxisome biogenesis disorder 12A (Zellweger). Last evaluated: 2022-04-20. Review status: criteria provided, single submitter. Criteria: Invitae Variant Classification Sherloc (09022015). Collection method: clinical testing. Allele origin: germline.
Comment: This variant has not been reported in the literature in individuals affected with PEX19-related conditions. This variant is not present in population databases (gnomAD no frequency). This sequence change replaces glutamic acid, which is acidic and polar, with aspartic acid, which is acidic and polar, at codon 23 of the PEX19 protein (p.Glu23Asp). Algorithms developed to predict the effect of missense changes on protein structure and function (SIFT, PolyPhen-2, Align-GVGD) all suggest that this variant is likely to be tolerated. In summary, the available evidence is currently insufficient to determine the role of this variant in disease. Therefore, it has been classified as a Variant of Uncertain Significance. Algorithms developed to predict the effect of sequence changes on RNA splicing suggest that this variant may create or strengthen a splice site.